The following is an entry in ClinVar:

NM_001165963.4(SCN1A):c.3101T>C (p.Ile1034Thr)

Genes: SCN1A (sodium voltage-gated channel alpha subunit 1; minus strand), LOC102724058 (uncharacterized LOC102724058; plus strand). Cytogenetic location: 2q24.3.
Variant type: single nucleotide variant.
Coding change: c.3101T>C on transcript NM_001165963.4 (MANE Select); coding-DNA position 3101, T replaced by C.
Protein change: p.Ile1034Thr; replaces isoleucine 1034 with threonine.
Molecular consequence: missense variant. On other transcripts: non-coding transcript variant (2).
Genome position (GRCh38, 1-based): chr2:166,036,376, A>G on the plus strand (T>C on the coding strand, the complement: SCN1A is on the minus strand). VCF-style: chr2-166036376-A-G. GRCh37 (hg19) VCF-style: chr2-166892886-A-G.
Other names: p.I1034T:ATT>ACT; c.3017T>C, p.Ile1006Thr (NM_001165964.3, NM_001353957.2, NM_001353958.2); c.3101T>C, p.Ile1034Thr (NM_001202435.3, NM_001353948.2); c.3068T>C, p.Ile1023Thr (NM_001353949.2, NM_001353950.2, NM_001353951.2 and 2 more transcripts); c.3065T>C, p.Ile1022Thr (NM_001353954.2, NM_001353955.2); c.3014T>C, p.Ile1005Thr (NM_001353960.2); c.659T>C, p.Ile220Thr (NM_001353961.2); c.3101T>C (NM_001202435.1); short protein forms I1023T, I1034T, I1006T, I1022T, I220T, I1005T.
Identifiers: ClinVar variation 68613 (VCV000068613.53), dbSNP rs121918818, ClinGen allele CA266107.

ClinVar aggregate classification (germline): Benign/Likely benign. Review status: criteria provided, multiple submitters, no conflicts (2 of 4 stars). 9 submissions from 9 submitters: Benign (2); Likely benign (5). 2 of the submissions do not count toward it. Last evaluated 2026-01-28.

Conditions:
Early-infantile DEE. Also called: Ohtahara syndrome; Early infantile epileptic encephalopathy with suppression bursts; Early infantile epileptic encephalopathy. Identifiers: Orphanet 1934, MedGen C0393706, MONDO:0800491.
SCN1A-related disorder. Also called: SCN1A-related disorders; SCN1A-related conditions; SCN1A-related condition.
Inborn genetic diseases. Identifiers: MedGen C0950123, MeSH D030342.
Autism (AUTS). Also called: Autistic disorder; Autistic disorder of childhood onset. Identifiers: MedGen C0004352, MeSH D001321, MONDO:0005260, OMIM 209850, HP:0000717.

Allele frequency attached by ClinVar (database versions not stated): gnomAD exomes 0.00008 and 0.00021; ExAC 0.00025; 1000 Genomes Project 0.00060; 1000 Genomes Project 30x 0.00062; gnomAD 0.00078 and 0.00084; ESP Exome Variant Server 0.00085; TOPMed 0.00092.
gnomAD v4.1: 229 of 1,601,554 alleles (0.014%); highest among the groups gnomAD compares: African/African-American, 0.29%; 1 homozygote.

Submissions (19):

Labcorp Genetics (formerly Invitae), Labcorp
Classification: Likely benign for Early-infantile DEE. Last evaluated: 2026-01-28. Review status: criteria provided, single submitter. Criteria: Invitae Variant Classification Sherloc (09022015). Collection method: clinical testing. Allele origin: germline.

Athena Diagnostics
Classification: Benign. Last evaluated: 2025-06-19. Review status: criteria provided, single submitter. Criteria: Athena Diagnostics Criteria. Collection method: clinical testing. Allele origin: unknown.
Comment: The frequency of this variant in the general population is higher than would generally be expected for pathogenic variants in this gene.

Ambry Genetics
Classification: Likely benign for Inborn genetic diseases. Last evaluated: 2025-05-01. Review status: criteria provided, single submitter. Criteria: Ambry Variant Classification Scheme 2023. Collection method: clinical testing. Allele origin: germline.

Blueprint Genetics
Classification: Likely benign. Last evaluated: 2024-11-25. Review status: criteria provided, single submitter. Criteria: ACMG Guidelines, 2015. Collection method: clinical testing. Allele origin: germline.

CeGaT Center for Human Genetics Tuebingen
Classification: Likely benign. Last evaluated: 2024-08-01. Review status: criteria provided, single submitter. Criteria: CeGaT Center For Human Genetics Tuebingen Variant Classification Criteria Version 2. Collection method: clinical testing. Allele origin: germline. Affected: yes. Observed: 2 variant alleles.
Comment: SCN1A: BS1

GeneDx
Classification: Benign. Last evaluated: 2018-09-24. Review status: criteria provided, single submitter. Criteria: GeneDx Variant Classification Process June 2021. Collection method: clinical testing. Allele origin: germline. Affected: yes.
Comment: This variant is associated with the following publications: (PMID: 12610651)

Eurofins Ntd Llc (ga)
Classification: Likely benign. Last evaluated: 2015-07-30. Review status: criteria provided, single submitter. Criteria: EGL Classification Definitions 2015. Collection method: clinical testing. Allele origin: germline. Observed: 1 variant allele, 1 heterozygote.

PreventionGenetics, part of Exact Sciences
Classification: Likely benign for SCN1A-related condition. Last evaluated: 2020-01-31. Review status: no assertion criteria provided. Collection method: clinical testing. Allele origin: germline. Not counted in ClinVar's aggregate classification.
Comment: This variant is classified as likely benign based on ACMG/AMP sequence variant interpretation guidelines (Richards et al. 2015 PMID: 25741868, with internal and published modifications).

Channelopathy-Associated Epilepsy Research Center
No classification provided (evidence only). Review status: no classification provided. Collection method: in vitro. Allele origin: not applicable. Functional consequence: Decrease in peak current. Not counted in ClinVar's aggregate classification.

Channelopathy-Associated Epilepsy Research Center
No classification provided (evidence only). Review status: no classification provided. Collection method: in vitro. Allele origin: not applicable. Functional consequence: Normal voltage dependence of activation. Not counted in ClinVar's aggregate classification.

Channelopathy-Associated Epilepsy Research Center
No classification provided (evidence only). Review status: no classification provided. Collection method: in vitro. Allele origin: not applicable. Functional consequence: Normal slope of activation. Not counted in ClinVar's aggregate classification.

Channelopathy-Associated Epilepsy Research Center
No classification provided (evidence only). Review status: no classification provided. Collection method: in vitro. Allele origin: not applicable. Functional consequence: Normal voltage dependence of fast inactivation. Not counted in ClinVar's aggregate classification.

Channelopathy-Associated Epilepsy Research Center
No classification provided (evidence only). Review status: no classification provided. Collection method: in vitro. Allele origin: not applicable. Functional consequence: Normal slope of fast inactivation. Not counted in ClinVar's aggregate classification.

Channelopathy-Associated Epilepsy Research Center
No classification provided (evidence only). Review status: no classification provided. Collection method: in vitro. Allele origin: not applicable. Functional consequence: Normal rate of recovery from fast inactivation. Not counted in ClinVar's aggregate classification.

Channelopathy-Associated Epilepsy Research Center
No classification provided (evidence only). Review status: no classification provided. Collection method: in vitro. Allele origin: not applicable. Functional consequence: Normal current amplitude in use dependence. Not counted in ClinVar's aggregate classification.

Channelopathy-Associated Epilepsy Research Center
No classification provided (evidence only). Review status: no classification provided. Collection method: in vitro. Allele origin: not applicable. Functional consequence: Normal fast inactivation. Not counted in ClinVar's aggregate classification.

Channelopathy-Associated Epilepsy Research Center
No classification provided (evidence only). Review status: no classification provided. Collection method: in vitro. Allele origin: not applicable. Functional consequence: Normal ramp current. Not counted in ClinVar's aggregate classification.

Channelopathy-Associated Epilepsy Research Center
No classification provided (evidence only). Review status: no classification provided. Collection method: in vitro. Allele origin: not applicable. Functional consequence: Normal persistent current. Not counted in ClinVar's aggregate classification.

UniProtKB/Swiss-Prot
Classification: Uncertain significance for Autistic disorder of childhood onset. Review status: no assertion criteria provided. Collection method: not provided. Allele origin: unknown. Not counted in ClinVar's aggregate classification.
Comment: rare variant detected in patients with autism
ClinVar note: Converted during submission from Unknown significance to Uncertain significance.

Literature cited by the submitters: PubMed 12610651 (cited by Athena Diagnostics).